The following is an entry in ClinVar:

NM_015836.4(WARS2):c.244C>G (p.Pro82Ala)

Gene: WARS2 (tryptophanyl tRNA synthetase 2, mitochondrial; minus strand). Cytogenetic location: 1p12.
Variant type: single nucleotide variant.
Coding change: c.244C>G on transcript NM_015836.4 (MANE Select); coding-DNA position 244, C replaced by G.
Protein change: p.Pro82Ala; replaces proline 82 with alanine.
Molecular consequence: missense variant. On other transcripts: 5 prime UTR variant (1), intron variant (2).
Genome position (GRCh38, 1-based): chr1:119,076,454, G>C on the plus strand (C>G on the coding strand, the complement: WARS2 is on the minus strand). VCF-style: chr1-119076454-G-C. GRCh37 (hg19) VCF-style: chr1-119619077-G-C.
Other names: c.175C>G, p.Pro59Ala (NM_001378226.1, NM_001378227.1); c.-39C>G (NM_001378230.1); c.244C>G, p.Pro82Ala (NM_001378231.1, NM_201263.2); c.91-30792C>G (NM_001378229.1); c.177+67C>G (NM_001378228.1); c.244C>G (NM_015836.3); short protein forms P59A, P82A.
Identifiers: ClinVar variation 1441706 (VCV001441706.7), dbSNP rs142739265, ClinGen allele CA1035370.

ClinVar aggregate classification (germline): Uncertain significance. Review status: criteria provided, multiple submitters, no conflicts (2 of 4 stars). 3 submissions from 3 submitters: Uncertain significance (3). Last evaluated 2025-12-03.

Conditions:
Inborn genetic diseases. Identifiers: MedGen C0950123, MeSH D030342.

Allele frequency attached by ClinVar (database versions not stated): gnomAD 0.00021 and 0.00023; ExAC 0.00022; gnomAD exomes 0.00023; TOPMed 0.00031; ESP Exome Variant Server 0.00038.
gnomAD v4.1: 768 of 1,614,012 alleles (0.048%); highest among the groups gnomAD compares: Non-Finnish European, 0.061%; no homozygotes.

Submissions (3):

Labcorp Genetics (formerly Invitae), Labcorp
Classification: Uncertain significance. Last evaluated: 2025-12-03. Review status: criteria provided, single submitter. Criteria: Invitae Variant Classification Sherloc (09022015). Collection method: clinical testing. Allele origin: germline.
Comment: This sequence change replaces proline, which is neutral and non-polar, with alanine, which is neutral and non-polar, at codon 82 of the WARS2 protein (p.Pro82Ala). This variant is present in population databases (rs142739265, gnomAD 0.05%). This variant has not been reported in the literature in individuals affected with WARS2-related conditions. ClinVar contains an entry for this variant (Variation ID: 1441706). Invitae Evidence Modeling of protein sequence and biophysical properties (such as structural, functional, and spatial information, amino acid conservation, physicochemical variation, residue mobility, and thermodynamic stability) indicates that this missense variant is not expected to disrupt WARS2 protein function with a negative predictive value of 80%. In summary, the available evidence is currently insufficient to determine the role of this variant in disease. Therefore, it has been classified as a Variant of Uncertain Significance.

Ambry Genetics
Classification: Uncertain significance for Inborn genetic diseases. Last evaluated: 2024-12-06. Review status: criteria provided, single submitter. Criteria: Ambry Variant Classification Scheme 2023. Collection method: clinical testing. Allele origin: germline.

Blueprint Genetics
Classification: Uncertain significance. Last evaluated: 2024-05-22. Review status: criteria provided, single submitter. Criteria: ACMG Guidelines, 2015. Collection method: clinical testing. Allele origin: germline.